The following is an entry in ClinVar:

NM_006648.4(WNK2):c.2390C>G (p.Pro797Arg)

Gene: WNK2 (WNK lysine deficient protein kinase 2; plus strand). Cytogenetic location: 9q22.31.
Variant type: single nucleotide variant.
Coding change: c.2390C>G on transcript NM_006648.4 (MANE Select); coding-DNA position 2390, C replaced by G.
Protein change: p.Pro797Arg; replaces proline 797 with arginine.
Molecular consequence: missense variant.
Genome position (GRCh38, 1-based): chr9:93,258,938, C>G. VCF-style: chr9-93258938-C-G. GRCh37 (hg19) VCF-style: chr9-96021220-C-G.
Other names: c.2390C>G, p.Pro797Arg (NM_001282394.3); short protein forms P797R.
Identifiers: ClinVar variation 4201618 (VCV004201618.1).
Genomic context (GRCh38, chr9:93,258,938, plus strand): 5'-GGGCAGGGACCCTGGTTGGGGCCCACACTGACACACTCCTGTGTCTCTTTCAGATGCCCC[C>G]GATTCCTGTTGTGCCCCCCATCACGCCCCTGGCGGGAATCGACGGCCTCCCTCCGGCCCT-3'
Protein context (NP_006639.3, residues 787-807): PLAQVPPQMP[Pro797Arg]IPVVPPITPL

ClinVar aggregate classification (germline): Uncertain significance (1 of 4 stars; one submission).

gnomAD v4.1: 1 of 1,611,190 alleles (0.000062%); highest among the groups gnomAD compares: South Asian, 0.0011%; no homozygotes.

Submission:

Ambry Genetics
Classification: Uncertain significance. Last evaluated: 2025-07-12. Review status: criteria provided, single submitter. Criteria: Ambry Variant Classification Scheme 2023. Collection method: clinical testing. Allele origin: germline.
Comment: The p.P797R variant (also known as c.2390C>G), located in coding exon 11 of the WNK2 gene, results from a C to G substitution at nucleotide position 2390. The proline at codon 797 is replaced by arginine, an amino acid with dissimilar properties. This amino acid position is conserved. In addition, this alteration is predicted to be tolerated by in silico analysis. Based on the available evidence, the clinical significance of this variant remains unclear.